The following is an entry in ClinVar:

NM_018012.4(KIF26B):c.3231G>A (p.Ser1077=)

Gene: KIF26B (kinesin family member 26B; plus strand). Cytogenetic location: 1q44.
Variant type: single nucleotide variant.
Coding change: c.3231G>A on transcript NM_018012.4 (MANE Select); coding-DNA position 3231, G replaced by A.
Protein change: p.Ser1077=; no amino-acid change (serine 1077 retained).
Molecular consequence: synonymous variant.
Genome position (GRCh38, 1-based): chr1:245,686,214, G>A. VCF-style: chr1-245686214-G-A. GRCh37 (hg19) VCF-style: chr1-245849516-G-A.
Identifiers: ClinVar variation 788387 (VCV000788387.7), dbSNP rs114246649, ClinGen allele CA1488195.

ClinVar aggregate classification (germline): Benign. Review status: criteria provided, multiple submitters, no conflicts (2 of 4 stars). 3 submissions from 3 submitters: Benign (2). 1 of the submissions does not count toward it. Last evaluated 2019-12-31.

Conditions:
KIF26B-related disorder. Also called: KIF26B-related condition.

Allele frequency attached by ClinVar (database versions not stated): gnomAD exomes 0.00171; ExAC 0.00218; ESP Exome Variant Server 0.00672; gnomAD 0.00698 and 0.00744; TOPMed 0.00736; 1000 Genomes Project 0.01138; 1000 Genomes Project 30x 0.01202.
gnomAD v4.1: 2,177 of 1,612,606 alleles (0.13%); highest among the groups gnomAD compares: African/African-American, 2.5%; 25 homozygotes.

Submissions (3):

Labcorp Genetics (formerly Invitae), Labcorp
Classification: Benign. Last evaluated: 2019-12-31. Review status: criteria provided, single submitter. Criteria: Invitae Variant Classification Sherloc (09022015). Collection method: clinical testing. Allele origin: germline.

Breakthrough Genomics
Classification: Benign. Review status: criteria provided, single submitter. Criteria: ACMG Guidelines, 2015. Collection method: not provided. Allele origin: germline. Inheritance: Unknown mechanism. Affected: yes.

PreventionGenetics, part of Exact Sciences
Classification: Benign for KIF26B-related condition. Last evaluated: 2019-05-20. Review status: no assertion criteria provided. Collection method: clinical testing. Allele origin: germline. Not counted in ClinVar's aggregate classification.
Comment: This variant is classified as benign based on ACMG/AMP sequence variant interpretation guidelines (Richards et al. 2015 PMID: 25741868, with internal and published modifications).